The following is an entry in ClinVar:

ClinVar aggregate classification (germline): Uncertain significance (1 of 4 stars; one submission).

Conditions:
Multiple acyl-CoA dehydrogenase deficiency (MADD). Also called: Glutaric aciduria, type 2; ETHYLMALONIC-ADIPICACIDURIA; GA II; Glutaric acidemia type II; GA 2; Glutaric Acidemia type 2. Identifiers: Orphanet 26791, MedGen C0268596, MONDO:0009282, OMIM 231680.

Allele frequency attached by ClinVar (database versions not stated): gnomAD exomes below 0.00001; TOPMed 0.00001.
gnomAD v4.1: 3 of 1,608,028 alleles (0.00019%); highest among the groups gnomAD compares: African/African-American, 0.0027%; no homozygotes.

Submission:

Labcorp Genetics (formerly Invitae), Labcorp
Classification: Uncertain significance for Multiple acyl-CoA dehydrogenase deficiency. Last evaluated: 2021-11-26. Review status: criteria provided, single submitter. Criteria: Invitae Variant Classification Sherloc (09022015). Collection method: clinical testing. Allele origin: germline.
Comment: This sequence change replaces isoleucine, which is neutral and non-polar, with threonine, which is neutral and polar, at codon 42 of the ETFDH protein (p.Ile42Thr). This variant is not present in population databases (gnomAD no frequency). This variant has not been reported in the literature in individuals affected with ETFDH-related conditions. Advanced modeling of protein sequence and biophysical properties (such as structural, functional, and spatial information, amino acid conservation, physicochemical variation, residue mobility, and thermodynamic stability) performed at Invitae indicates that this missense variant is expected to disrupt ETFDH protein function. In summary, the available evidence is currently insufficient to determine the role of this variant in disease. Therefore, it has been classified as a Variant of Uncertain Significance.

NM_004453.4(ETFDH):c.125T>C (p.Ile42Thr)

Gene: ETFDH (electron transfer flavoprotein dehydrogenase; plus strand). Cytogenetic location: 4q32.1.
Variant type: single nucleotide variant.
Coding change: c.125T>C on transcript NM_004453.4 (MANE Select); coding-DNA position 125, T replaced by C.
Protein change: p.Ile42Thr; replaces isoleucine 42 with threonine.
Molecular consequence: missense variant. On other transcripts: intron variant (1).
Genome position (GRCh38, 1-based): chr4:158,680,557, T>C. VCF-style: chr4-158680557-T-C. GRCh37 (hg19) VCF-style: chr4-159601709-T-C.
Other names: c.35-1638T>C (NM_001281737.2); short protein forms I42T.
Identifiers: ClinVar variation 2159848 (VCV002159848.1), dbSNP rs1773827794, ClinGen allele CA358573464.
Genomic context (GRCh38, chr4:158,680,557, plus strand): 5'-AGAAAAATTATCTACCTCTATGTGCTACAAGATGGTCTTCAACTTCTACTGTGCCTCGAA[T>C]TACTACCCATTATACTATTTATCCCCGGGATAAGGACAAGAGATGGGAAGGTAAGTAATA-3'
Protein context (NP_004444.2, residues 32-52): RWSSTSTVPR[Ile42Thr]TTHYTIYPRD